The following is an entry in ClinVar:

ClinVar aggregate classification (germline): Uncertain significance (1 of 4 stars; one submission).

Conditions:
Hereditary diffuse gastric adenocarcinoma (HDGC). Also called: DIFFUSE GASTRIC AND LOBULAR BREAST CANCER SYNDROME. Identifiers: Orphanet 26106, MedGen C1708349, MONDO:0007648, OMIM 137215.

Submission:

Labcorp Genetics (formerly Invitae), Labcorp
Classification: Uncertain significance for Hereditary diffuse gastric adenocarcinoma. Last evaluated: 2019-03-30. Review status: criteria provided, single submitter. Criteria: Invitae Variant Classification Sherloc (09022015). Collection method: clinical testing. Allele origin: germline.
Comment: In summary, the available evidence is currently insufficient to determine the role of this variant in disease. Therefore, it has been classified as a Variant of Uncertain Significance. Algorithms developed to predict the effect of missense changes on protein structure and function are either unavailable or do not agree on the potential impact of this missense change (SIFT: "Deleterious"; PolyPhen-2: "Possibly Damaging"; Align-GVGD: "Class C0"). This variant has not been reported in the literature in individuals with CDH1-related conditions. This variant is not present in population databases (ExAC no frequency). This sequence change replaces lysine with asparagine at codon 655 of the CDH1 protein (p.Lys655Asn). The lysine residue is moderately conserved and there is a moderate physicochemical difference between lysine and asparagine.

NM_004360.5(CDH1):c.1965G>C (p.Lys655Asn)

Gene: CDH1 (cadherin 1; plus strand). Cytogenetic location: 16q22.1.
Variant type: single nucleotide variant.
Coding change: c.1965G>C on transcript NM_004360.5 (MANE Select); coding-DNA position 1965, G replaced by C.
Protein change: p.Lys655Asn; replaces lysine 655 with asparagine.
Molecular consequence: missense variant. On other transcripts: 5 prime UTR variant (1).
Genome position (GRCh38, 1-based): chr16:68,823,427, G>C. VCF-style: chr16-68823427-G-C. GRCh37 (hg19) VCF-style: chr16-68857330-G-C.
Other names: c.1782G>C, p.Lys594Asn (NM_001317184.2); c.417G>C, p.Lys139Asn (NM_001317185.2); c.-1G>C (NM_001317186.2); short protein forms K594N, K655N, K139N.
Identifiers: ClinVar variation 860706 (VCV000860706.10), dbSNP rs1961225123, ClinGen allele CA396467559.
Genomic context (GRCh38, chr16:68,823,427, plus strand): 5'-GTCTCATCATTTCTTTTTATTGCTTTCTCCAGCCCAAGAATCTATCATTTTGAAGCCAAA[G>C]ATGGCCTTAGAGGTGGGTGACTACAAAATCAATCTCAAGCTCATGGATAACCAGAATAAA-3'
Protein context (NP_004351.1, residues 645-665): PTQESIILKP[Lys655Asn]MALEVGDYKI